The following is an entry in ClinVar:

ClinVar aggregate classification (germline): Uncertain significance (1 of 4 stars; one submission).

Conditions:
Autosomal recessive early-onset Parkinson disease 6 (PARK6). Also called: PINK1-Related Parkinson Disease; PARKINSON DISEASE 6, MODIFIER OF; PINK1 Type of Young-Onset Parkinson Disease; PARKINSON DISEASE 6, EARLY-ONSET. Identifiers: Orphanet 2828, MedGen C1853833, MONDO:0011613, OMIM 605909.

Allele frequency attached by ClinVar (database versions not stated): TOPMed below 0.00001; gnomAD exomes 0.00001; ExAC 0.00006.
gnomAD v4.1: 19 of 1,583,638 alleles (0.0012%); highest among the groups gnomAD compares: South Asian, 0.021%; no homozygotes.

Submission:

Labcorp Genetics (formerly Invitae), Labcorp
Classification: Uncertain significance for Autosomal recessive early-onset Parkinson disease 6. Last evaluated: 2023-04-19. Review status: criteria provided, single submitter. Criteria: Invitae Variant Classification Sherloc (09022015). Collection method: clinical testing. Allele origin: germline.
Comment: In summary, the available evidence is currently insufficient to determine the role of this variant in disease. Therefore, it has been classified as a Variant of Uncertain Significance. An algorithm developed to predict the effect of missense changes on protein structure and function (PolyPhen-2) suggests that this variant is likely to be tolerated. ClinVar contains an entry for this variant (Variation ID: 2169276). This variant has not been reported in the literature in individuals affected with PINK1-related conditions. This variant is present in population databases (rs777146957, gnomAD 0.02%). This sequence change replaces glutamine, which is neutral and polar, with glutamic acid, which is acidic and polar, at codon 129 of the PINK1 protein (p.Gln129Glu).

NM_032409.3(PINK1):c.385C>G (p.Gln129Glu)

Gene: PINK1 (PTEN induced kinase 1; plus strand). Cytogenetic location: 1p36.12.
Variant type: single nucleotide variant.
Coding change: c.385C>G on transcript NM_032409.3 (MANE Select); coding-DNA position 385, C replaced by G.
Protein change: p.Gln129Glu; replaces glutamine 129 with glutamic acid.
Molecular consequence: missense variant.
Genome position (GRCh38, 1-based): chr1:20,633,933, C>G. VCF-style: chr1-20633933-C-G. GRCh37 (hg19) VCF-style: chr1-20960426-C-G.
Other names: short protein forms Q129E.
Identifiers: ClinVar variation 2169276 (VCV002169276.4), dbSNP rs777146957, ClinGen allele CA660382.
Genomic context (GRCh38, chr1:20,633,933, plus strand): 5'-GGCCTCATCGAGGAAAAACAGGCGGAGAGCCGGCGGGCGGTCTCGGCCTGTCAGGAGATC[C>G]AGGTGAGCGGGGCCGGGTCCTAAGCCGAGCGGAGGACGGAGCTAAGCGCGGGGGCGGGTC-3'
Protein context (NP_115785.1, residues 119-139): RRAVSACQEI[Gln129Glu]AIFTQKSKPG